The following is an entry in ClinVar:

NM_005502.4(ABCA1):c.1091C>G (p.Ser364Cys)

Gene: ABCA1 (ATP binding cassette subfamily A member 1; minus strand). Cytogenetic location: 9q31.1.
Variant type: single nucleotide variant.
Coding change: c.1091C>G on transcript NM_005502.4 (MANE Select); coding-DNA position 1091, C replaced by G.
Protein change: p.Ser364Cys; replaces serine 364 with cysteine.
Molecular consequence: missense variant.
Genome position (GRCh38, 1-based): chr9:104,837,531, G>C on the plus strand (C>G on the coding strand, the complement: ABCA1 is on the minus strand). VCF-style: chr9-104837531-G-C. GRCh37 (hg19) VCF-style: chr9-107599812-G-C.
Other names: short protein forms S364C.
Identifiers: ClinVar variation 913397 (VCV000913397.4), dbSNP rs775035559, ClinGen allele CA5169117.

ClinVar aggregate classification (germline): Uncertain significance. Review status: criteria provided, single submitter (1 of 4 stars). 2 submissions from 1 submitter: Uncertain significance (2). Last evaluated 2017-08-30.

Conditions:
Tangier disease (TGD). Also called: HIGH DENSITY LIPOPROTEIN DEFICIENCY, TANGIER TYPE; HIGH DENSITY LIPOPROTEIN DEFICIENCY, TYPE 1; Cholesterol thesaurismosis. Identifiers: Orphanet 31150, MedGen C0039292, MONDO:0008783, OMIM 205400.
Hypoalphalipoproteinemia, primary, 1. Identifiers: Orphanet 425, MedGen C5231558, MONDO:0011393, OMIM 604091.

Allele frequency attached by ClinVar (database versions not stated): gnomAD exomes below 0.00001; TOPMed below 0.00001; ExAC 0.00001; gnomAD 0.00001.
gnomAD v4.1: 5 of 1,614,028 alleles (0.00031%); highest among the groups gnomAD compares: Non-Finnish European, 0.00042%; no homozygotes.

Submissions (2):

Illumina Laboratory Services, Illumina
Classification: Uncertain significance for Tangier disease. Last evaluated: 2017-08-30. Review status: criteria provided, single submitter. Criteria: ICSL Variant Classification Criteria 13 December 2019. Collection method: clinical testing. Allele origin: germline.

Illumina Laboratory Services, Illumina
Classification: Uncertain significance for Hypoalphalipoproteinemia, primary, 1. Last evaluated: 2017-08-30. Review status: criteria provided, single submitter. Criteria: ICSL Variant Classification Criteria 13 December 2019. Collection method: clinical testing. Allele origin: germline.
Comment: This variant was observed as part of a predisposition screen in an ostensibly healthy population. A literature search was performed for the gene, cDNA change, and amino acid change (where applicable). Publications were found based on this search. However, the evidence from the literature, in combination with allele frequency data from public databases where available, was not sufficient to rule this variant in or out of causing disease. Therefore, this variant is classified as a variant of unknown significance.

Literature cited by the submitters: PubMed 15520867.